The following is an entry in ClinVar:

NM_000170.3(GLDC):c.251del (p.Leu84fs)

Gene: GLDC (glycine decarboxylase; minus strand). Cytogenetic location: 9p24.1.
Variant type: Deletion.
Coding change: c.251del on transcript NM_000170.3 (MANE Select); coding-DNA position 251, one base deleted (T; older notation c.251delT).
Protein change: p.Leu84fs; shifts the reading frame from leucine 84.
Molecular consequence: frameshift variant.
Genome position (GRCh38, 1-based): chr9:6,645,249, A deleted on the plus strand (T on the coding strand, the reverse complement: GLDC is on the minus strand). VCF-style (leftmost placement, unchanged base first): chr9-6645248-CA-C. GRCh37 (hg19) VCF-style: chr9-6645248-CA-C.
Other names: short protein forms L84fs.
Identifiers: ClinVar variation 1075706 (VCV001075706.7), dbSNP rs2130031690, ClinGen allele CA2499219939.

ClinVar aggregate classification (germline): Pathogenic (1 of 4 stars; one submission).

Conditions:
Glycine encephalopathy. Also called: Nonketotic hyperglycinemia; Non-ketotic hyperglycinemia. Identifiers: Orphanet 407, MedGen C0751748, MONDO:0011612, HP:0008288.

Allele frequency attached by ClinVar (database versions not stated): gnomAD exomes below 0.00001.

Submission:

Labcorp Genetics (formerly Invitae), Labcorp
Classification: Pathogenic for Glycine encephalopathy. Last evaluated: 2020-10-11. Review status: criteria provided, single submitter. Criteria: Invitae Variant Classification Sherloc (09022015). Collection method: clinical testing. Allele origin: germline.
Comment: This sequence change creates a premature translational stop signal (p.Leu84Argfs*7) in the GLDC gene. It is expected to result in an absent or disrupted protein product. This variant is not present in population databases (ExAC no frequency). This variant has not been reported in the literature in individuals with GLDC-related conditions. Loss-of-function variants in GLDC are known to be pathogenic (PMID: 16601880). For these reasons, this variant has been classified as Pathogenic.

Literature cited by the submitters: PubMed 16601880.